The following is an entry in ClinVar:

ClinVar aggregate classification (germline): Pathogenic (3 of 4 stars; one submission).

Conditions:
Glanzmann thrombasthenia. Also called: BLEEDING DISORDER, PLATELET-TYPE, 2; THROMBASTHENIA OF GLANZMANN AND NAEGELI; PLATELET GLYCOPROTEIN IIb-IIIa DEFICIENCY; Glanzmann's thrombasthenia; Thrombasthenia. Identifiers: Orphanet 849, MedGen C0040015, MONDO:0100326.

Submission:

ClinGen Platelet Disorders Variant Curation Expert Panel, ClinGen
Classification: Pathogenic for Glanzmann thrombasthenia. Last evaluated: 2023-06-01. Review status: reviewed by expert panel. Criteria: ClinGen Platelet ACMG Specifications v2-1. Collection method: curation. Allele origin: germline. Inheritance: Autosomal recessive inheritance.
Comment: The c.1642C>T (p.Gln548Ter) variant in exon 17 is a nonsense variant predicted to cause a premature stop codon in biologically-relevant-exon 17 and is predicted to lead to nonsense mediated decay in a gene in which loss-of-function is an established disease mechanism (PVS1). At least one patient (Patient 1 in PMID: 23624894) with this variant displayed mucocutaneous bleeding and impaired aggregation with all agonists except ristocetin, which is highly specific for Glanzmann thrombasthenia. Additionally, αIIbβ3 surface expression was reduced to 0% (<25%), as measured by flow cytometry. Molecular genetic analysis was performed for the ITGA2B, but no genotyping was performed for ITGB3 (PP4_moderate). This variant has been detected in at least 1 proband with Glanzmann thrombasthenia (PMID:23624894). This individual was compound heterozygous for this variant and the NM_000419.3:c.1750C>T (Arg584Ter) variant, which was classified as Pathogenic by the PD VCEP (but occurs at too high a frequency to consider for PM3). This variant is absent from gnomAD v2.1.1 (PM2_Supporting). In summary, this variant meets the criteria to be classified as Pathogenic for autosomal recessive Glanzmann Thrombasthenia based on the ACMG/AMP criteria applied, as specified by the ClinGen PD VCEP: PVS1, PP4_Moderate, PM2_Supporting (VCEP specifications version 2).

NM_000419.5(ITGA2B):c.1642C>T (p.Gln548Ter)

Gene: ITGA2B (integrin subunit alpha 2b; minus strand). Cytogenetic location: 17q21.31.
Variant type: single nucleotide variant.
Coding change: c.1642C>T on transcript NM_000419.5 (MANE Select); coding-DNA position 1642, C replaced by T.
Protein change: p.Gln548Ter; replaces glutamine 548 with a stop codon.
Molecular consequence: nonsense.
Genome position (GRCh38, 1-based): chr17:44,380,112, G>A on the plus strand (C>T on the coding strand, the complement: ITGA2B is on the minus strand). VCF-style: chr17-44380112-G-A. GRCh37 (hg19) VCF-style: chr17-42457480-G-A.
Other names: NM_000419.5:c.1642C>T; short protein forms Q548*.
Identifiers: ClinVar variation 2506417 (VCV002506417.1), dbSNP rs2510079291, ClinGen allele CA399802364.
Genomic context (GRCh38, chr17:44,380,112, plus strand): 5'-GATCCAGGTTCAGGGTGGTGCCTGCCTGTTGAGAGCCCAGCAGCAGCACCCGCCGGCCCT[G>A]GCGGGGCTTCTGCCGGTCCAGCTGCAGCTCGGCATTTAGGGCTGGCAGGGCAAGCAGAAG-3'